The following is an entry in ClinVar:

ClinVar aggregate classification (germline): Uncertain significance. Review status: criteria provided, multiple submitters, no conflicts (2 of 4 stars). 2 submissions from 2 submitters: Uncertain significance (2). Last evaluated 2025-08-22.

Conditions:
Ectodermal dysplasia 9, hair/nail type (ECTD9). Identifiers: Orphanet 69084, MedGen C3554127, MONDO:0013976, OMIM 614931.

Allele frequency attached by ClinVar (database versions not stated): TOPMed 0.00001; gnomAD exomes 0.00002; gnomAD 0.00004.
gnomAD v4.1: 15 of 1,538,818 alleles (0.00097%); highest among the groups gnomAD compares: Non-Finnish European, 0.0012%; no homozygotes.

Submissions (2):

Labcorp Genetics (formerly Invitae), Labcorp
Classification: Uncertain significance. Last evaluated: 2025-08-22. Review status: criteria provided, single submitter. Criteria: Invitae Variant Classification Sherloc (09022015). Collection method: clinical testing. Allele origin: germline.
Comment: This sequence change replaces proline, which is neutral and non-polar, with serine, which is neutral and polar, at codon 109 of the HOXC13 protein (p.Pro109Ser). This variant is present in population databases (no rsID available, gnomAD 0.004%). This variant has not been reported in the literature in individuals affected with HOXC13-related conditions. ClinVar contains an entry for this variant (Variation ID: 2432525). An algorithm developed to predict the effect of missense changes on protein structure and function (PolyPhen-2) suggests that this variant is likely to be tolerated. In summary, the available evidence is currently insufficient to determine the role of this variant in disease. Therefore, it has been classified as a Variant of Uncertain Significance.

Revvity Omics, Revvity
Classification: Uncertain significance for Ectodermal dysplasia 9, hair/nail type. Last evaluated: 2021-10-28. Review status: criteria provided, single submitter. Criteria: ACMG Guidelines, 2015. Collection method: clinical testing. Allele origin: germline.

NM_017410.3(HOXC13):c.325C>T (p.Pro109Ser)

Genes: HOXC13 (homeobox C13; plus strand), HOXC13-AS (HOXC13 antisense RNA; minus strand). Cytogenetic location: 12q13.13.
Variant type: single nucleotide variant.
Coding change: c.325C>T on transcript NM_017410.3 (MANE Select); coding-DNA position 325, C replaced by T.
Protein change: p.Pro109Ser; replaces proline 109 with serine.
Molecular consequence: missense variant.
Genome position (GRCh38, 1-based): chr12:53,939,231, C>T. VCF-style: chr12-53939231-C-T. GRCh37 (hg19) VCF-style: chr12-54333015-C-T.
Other names: short protein forms P109S.
Identifiers: ClinVar variation 2432525 (VCV002432525.4), dbSNP rs967971137, ClinGen allele CA237424681.